The following is an entry in ClinVar:

ClinVar aggregate classification (germline): Uncertain significance. Review status: criteria provided, single submitter (1 of 4 stars). 2 submissions from 1 submitter: Uncertain significance (2). Last evaluated 2024-11-04.

Conditions:
Hereditary cancer-predisposing syndrome. Also called: Neoplastic Syndromes, Hereditary; Tumor predisposition; Hereditary Cancer Syndrome; Hereditary neoplastic syndrome. Identifiers: Orphanet 140162, MedGen C0027672, MeSH D009386, MONDO:0015356.
Familial melanoma. Also called: Hereditary melanoma; Hereditary cutaneous melanoma. Identifiers: Orphanet 618, MedGen C1512419, MONDO:0018961.

Submissions (2):

Department of Pathology and Laboratory Medicine, Sinai Health System
Classification: Uncertain significance for Hereditary cancer-predisposing syndrome. Last evaluated: 2024-11-04. Review status: criteria provided, single submitter. Criteria: ACMG Guidelines, 2015. Collection method: clinical testing. Allele origin: germline. Affected: yes.
Comment: The POT1 c.(-38+1_-39-1)_(9+1_10-1)dup variant (chr:7 g.124532437-?_124537268+?dup GRCh37) results in a duplication of exon 5, although the precise breakpoints of this duplication were not determined, nor were the effects of this variant on the resulting mRNA or protein product determined. The POT1 c.(-38+1_-39-1)_(9+1_10-1)dup variant was not identified in the literature nor was it identified in the dbSNP, ClinVar or the Genome Aggregation Database (Feb 27, 2017). In a large scale study of chromosome duplications, Newman (2015) found that most duplications (83%) occur in tandem and in direct orientation relative to the original locus. If this duplication is inserted in tandem and direct orientation, would not be expected to disrupt POT1 gene function; however, this test is not able to determine the location or orientation of this duplication. In summary, based on the above information, the clinical significance of this variant cannot be determined with certainty at this time. This variant is classified as uncertain significance.

Department of Pathology and Laboratory Medicine, Sinai Health System
Classification: Uncertain significance for Familial melanoma. Last evaluated: 2023-10-12. Review status: criteria provided, single submitter. Criteria: ACMG Guidelines, 2015. Collection method: clinical testing. Allele origin: germline. Affected: yes.

NC_000007.13:g.(?_124532437)_(124537268_?)dup

Gene: POT1 (protection of telomeres 1; minus strand). Cytogenetic location: 7q31.33.
Variant type: Duplication.
Identifiers: ClinVar variation 3381260 (VCV003381260.2).